The following is an entry in ClinVar:

NM_000465.4(BARD1):c.1583T>A (p.Leu528Gln)

Gene: BARD1 (BRCA1 associated RING domain 1; minus strand). Cytogenetic location: 2q35.
Variant type: single nucleotide variant.
Coding change: c.1583T>A on transcript NM_000465.4 (MANE Select); coding-DNA position 1583, T replaced by A.
Protein change: p.Leu528Gln; replaces leucine 528 with glutamine.
Molecular consequence: missense variant. On other transcripts: non-coding transcript variant (3), intron variant (1).
Genome position (GRCh38, 1-based): chr2:214,752,541, A>T on the plus strand (T>A on the coding strand, the complement: BARD1 is on the minus strand). VCF-style: chr2-214752541-A-T. GRCh37 (hg19) VCF-style: chr2-215617265-A-T.
Other names: c.1526T>A, p.Leu509Gln (NM_001282543.2); c.230T>A, p.Leu77Gln (NM_001282545.2); c.173T>A, p.Leu58Gln (NM_001282548.2); c.365-22033T>A (NM_001282549.2); short protein forms L509Q, L58Q, L528Q, L77Q.
Identifiers: ClinVar variation 4621703 (VCV004621703.1).
Genomic context (GRCh38, chr2:214,752,541, plus strand): 5'-TTCTCTGGTAGCAGCAATAGCGATTTCATACTTTCATCATCTGTATAATCGACAGGCCGC[A>T]GACCAAATATATTACTGGTAAAATAAGTGCAGATGTGTTTAAGTAAGTCAAATGTGTGAC-3'
Protein context (NP_000456.2, residues 518-538): ASRNAVNIFG[Leu528Gln]RPVDYTDDES

ClinVar aggregate classification (germline): Uncertain significance (1 of 4 stars; one submission).

Conditions:
Hereditary cancer-predisposing syndrome. Also called: Neoplastic Syndromes, Hereditary; Tumor predisposition; Hereditary Cancer Syndrome; Hereditary neoplastic syndrome. Identifiers: Orphanet 140162, MedGen C0027672, MeSH D009386, MONDO:0015356.

Submission:

Ambry Genetics
Classification: Uncertain significance for Hereditary cancer-predisposing syndrome. Last evaluated: 2025-10-23. Review status: criteria provided, single submitter. Criteria: Ambry Variant Classification Scheme 2023. Collection method: clinical testing. Allele origin: germline.
Comment: The p.L528Q variant (also known as c.1583T>A), located in coding exon 7 of the BARD1 gene, results from a T to A substitution at nucleotide position 1583. The leucine at codon 528 is replaced by glutamine, an amino acid with dissimilar properties. This amino acid position is conserved. In addition, the in silico prediction for this alteration is inconclusive. Based on the available evidence, the clinical significance of this variant remains unclear.